The following is an entry in ClinVar:

NM_001134407.3(GRIN2A):c.3898A>G (p.Arg1300Gly)

Gene: GRIN2A (glutamate ionotropic receptor NMDA type subunit 2A; minus strand). Cytogenetic location: 16p13.2.
Variant type: single nucleotide variant.
Coding change: c.3898A>G on transcript NM_001134407.3 (MANE Select); coding-DNA position 3898, A replaced by G.
Protein change: p.Arg1300Gly; replaces arginine 1300 with glycine.
Molecular consequence: missense variant. On other transcripts: intron variant (1).
Genome position (GRCh38, 1-based): chr16:9,763,646, T>C on the plus strand (A>G on the coding strand, the complement: GRIN2A is on the minus strand). VCF-style: chr16-9763646-T-C. GRCh37 (hg19) VCF-style: chr16-9857503-T-C.
Other names: c.3898A>G, p.Arg1300Gly (NM_000833.5); c.3772+126A>G (NM_001134408.2); short protein forms R1300G.
Identifiers: ClinVar variation 265190 (VCV000265190.17), dbSNP rs372353067, ClinGen allele CA7896241.
Genomic context (GRCh38, chr16:9,763,646, plus strand): 5'-GAAGCCGTTCCCTGTCCTTGAGGCTTATGCTCCGGGAGGGCCTGCTAAGGTCTAGCTCCC[T>C]AGGTTTGTCGACAATGTTATCGTAGGAATGCTGACGGCTAATCCTTAGCTTGTTCTTTTG-3'
Protein context (NP_001127879.1, residues 1290-1310): HSYDNIVDKP[Arg1300Gly]ELDLSRPSRS

ClinVar aggregate classification (germline): Conflicting classifications of pathogenicity. Review status: criteria provided, conflicting classifications (1 of 4 stars). 5 submissions from 5 submitters: Uncertain significance (2); Likely benign (3). Last evaluated 2025-08-11.

Conditions:
GRIN2A-related complex neurodevelopmental disorder. Also called: GRIN2A-related disorder; GRIN2A-related condition. Identifiers: MedGen CN379781, MONDO:1060139.
Landau-Kleffner syndrome (FESD). Also called: EPILEPSY, FOCAL, WITH SPEECH DISORDER AND WITH OR WITHOUT MENTAL RETARDATION; APHASIA, ACQUIRED, WITH EPILEPSY. Identifiers: Orphanet 1945, Orphanet 725, Orphanet 98818, MedGen C0282512, MONDO:0009509, OMIM 245570.
Inborn genetic diseases. Identifiers: MedGen C0950123, MeSH D030342.

Allele frequency attached by ClinVar (database versions not stated): ExAC 0.00009; gnomAD exomes 0.00009 and 0.00008; gnomAD 0.00007; ESP Exome Variant Server 0.00008; TOPMed 0.00009.
gnomAD v4.1: 134 of 1,613,288 alleles (0.0083%); highest among the groups gnomAD compares: Non-Finnish European, 0.011%; no homozygotes.

Submissions (5):

Labcorp Genetics (formerly Invitae), Labcorp
Classification: Likely benign for Landau-Kleffner syndrome. Last evaluated: 2025-08-11. Review status: criteria provided, single submitter. Criteria: Invitae Variant Classification Sherloc (09022015). Collection method: clinical testing. Allele origin: germline.

PreventionGenetics, part of Exact Sciences
Classification: Uncertain significance for GRIN2A-related condition. Last evaluated: 2023-02-15. Review status: criteria provided, single submitter. Criteria: ACMG Guidelines, 2015. Collection method: clinical testing. Allele origin: germline.
Comment: The GRIN2A c.3898A>G variant is predicted to result in the amino acid substitution p.Arg1300Gly. To our knowledge, this variant has not been reported in the literature. This variant is reported in 0.018% of alleles in individuals of European (Non-Finnish) descent in gnomAD. Although we suspect that this variant may be benign, at this time, the clinical significance of this variant is uncertain due to the absence of conclusive functional and genetic evidence.

Ambry Genetics
Classification: Likely benign for Inborn genetic diseases. Last evaluated: 2022-01-27. Review status: criteria provided, single submitter. Criteria: Ambry Variant Classification Scheme 2023. Collection method: clinical testing. Allele origin: germline.

GeneDx
Classification: Likely benign. Last evaluated: 2017-11-17. Review status: criteria provided, single submitter. Criteria: GeneDx Variant Classification (06012015). Collection method: clinical testing. Allele origin: germline. Affected: yes.
Comment: This variant is considered likely benign or benign based on one or more of the following criteria: it is a conservative change, it occurs at a poorly conserved position in the protein, it is predicted to be benign by multiple in silico algorithms, and/or has population frequency not consistent with disease.

Athena Diagnostics
Classification: Uncertain significance. Last evaluated: 2017-05-01. Review status: criteria provided, single submitter. Criteria: Athena Diagnostics Criteria. Collection method: clinical testing. Allele origin: germline.